The following is an entry in ClinVar:

ClinVar aggregate classification (germline): Uncertain significance (1 of 4 stars; one submission).

Conditions:
Cardiovascular phenotype. Identifiers: MedGen CN230736.

Submission:

Ambry Genetics
Classification: Uncertain significance for Cardiovascular phenotype. Last evaluated: 2025-07-09. Review status: criteria provided, single submitter. Criteria: Ambry Variant Classification Scheme 2023. Collection method: clinical testing. Allele origin: germline.
Comment: The p.A327D variant (also known as c.980C>A), located in coding exon 7 of the LDB3 gene, results from a C to A substitution at nucleotide position 980. The alanine at codon 327 is replaced by aspartic acid, an amino acid with dissimilar properties. This amino acid position is conserved. In addition, the in silico prediction for this alteration is inconclusive. Based on the available evidence, the clinical significance of this variant remains unclear.

NM_007078.3(LDB3):c.980C>A (p.Ala327Asp)

Gene: LDB3 (LIM domain binding 3; plus strand). Cytogenetic location: 10q23.2.
Variant type: single nucleotide variant.
Coding change: c.980C>A on transcript NM_007078.3 (MANE Select); coding-DNA position 980, C replaced by A.
Protein change: p.Ala327Asp; replaces alanine 327 with aspartic acid.
Molecular consequence: missense variant. On other transcripts: intron variant (4).
Genome position (GRCh38, 1-based): chr10:86,706,614, C>A. VCF-style: chr10-86706614-C-A. GRCh37 (hg19) VCF-style: chr10-88466371-C-A.
Other names: c.839C>A, p.Ala280Asp (NM_001368066.1); c.897-3291C>A (NM_001368064.1, NM_001368065.1); c.1101-3291C>A (NM_001171610.2); c.756-3291C>A (NM_001080114.2); short protein forms A327D, A280D.
Identifiers: ClinVar variation 4097077 (VCV004097077.1).